The following is an entry in ClinVar:

NM_001267550.2(TTN):c.103901C>T (p.Pro34634Leu)

Genes: TTN-AS1 (TTN antisense RNA 1; plus strand), TTN (titin; minus strand). Cytogenetic location: 2q31.2.
Variant type: single nucleotide variant.
Coding change: c.103901C>T on transcript NM_001267550.2 (MANE Select); coding-DNA position 103901, C replaced by T.
Protein change: p.Pro34634Leu; replaces proline 34634 with leucine.
Molecular consequence: missense variant.
Genome position (GRCh38, 1-based): chr2:178,532,714, G>A on the plus strand (C>T on the coding strand, the complement: TTN is on the minus strand). VCF-style: chr2-178532714-G-A. GRCh37 (hg19) VCF-style: chr2-179397441-G-A.
Other names: c.98978C>T, p.Pro32993Leu (NM_001256850.1); c.76706C>T, p.Pro25569Leu (NM_003319.4); c.96197C>T, p.Pro32066Leu (NM_133378.4); c.77081C>T, p.Pro25694Leu (NM_133432.3); c.77282C>T, p.Pro25761Leu (NM_133437.4); short protein forms P25761L, P25694L, P32993L, P25569L, P32066L, P34634L.
Identifiers: ClinVar variation 2102191 (VCV002102191.6), dbSNP rs2468462689, ClinGen allele CA349412969.

ClinVar aggregate classification (germline): Uncertain significance. Review status: criteria provided, multiple submitters, no conflicts (2 of 4 stars). 2 submissions from 2 submitters: Uncertain significance (2). Last evaluated 2023-12-20.

Conditions:
Dilated cardiomyopathy 1G (CMD1G). Identifiers: Orphanet 154, MedGen C1858763, MONDO:0011400, OMIM 604145.
Autosomal recessive limb-girdle muscular dystrophy type 2J (LGMDR10). Also called: Limb-girdle muscular dystrophy, type 2J; MUSCULAR DYSTROPHY, LIMB-GIRDLE, AUTOSOMAL RECESSIVE 10. Identifiers: Orphanet 140922, MedGen C1837342, MONDO:0012127, OMIM 608807.

Submissions (2):

Labcorp Genetics (formerly Invitae), Labcorp
Classification: Uncertain significance for Dilated cardiomyopathy 1G; Autosomal recessive limb-girdle muscular dystrophy type 2J. Last evaluated: 2023-12-20. Review status: criteria provided, single submitter. Criteria: Invitae Variant Classification Sherloc (09022015). Collection method: clinical testing. Allele origin: germline.
Comment: This sequence change replaces proline, which is neutral and non-polar, with leucine, which is neutral and non-polar, at codon 34634 of the TTN protein (p.Pro34634Leu). This variant is not present in population databases (gnomAD no frequency). This variant has not been reported in the literature in individuals affected with TTN-related conditions. ClinVar contains an entry for this variant (Variation ID: 2102191). Experimental studies and prediction algorithms are not available or were not evaluated, and the functional significance of this variant is currently unknown. This variant is located in the M band of TTN (PMID: 25589632). Non-truncating variants in this region may be relevant for neuromuscular disorders, but have not been definitively shown to cause cardiomyopathy (PMID: 23975875). In summary, the available evidence is currently insufficient to determine the role of this variant in disease. Therefore, it has been classified as a Variant of Uncertain Significance.

Revvity Omics, Revvity
Classification: Uncertain significance. Last evaluated: 2023-03-28. Review status: criteria provided, single submitter. Criteria: ACMG Guidelines, 2015. Collection method: clinical testing. Allele origin: germline.

Literature cited by the submitters: PubMed 25589632 (cited by Labcorp Genetics (formerly Invitae), Labcorp); PubMed 23975875 (cited by Labcorp Genetics (formerly Invitae), Labcorp).